The following is an entry in ClinVar:

NM_001278064.2(GRM1):c.250C>T (p.His84Tyr)

Gene: GRM1 (glutamate metabotropic receptor 1; plus strand). Cytogenetic location: 6q24.3.
Variant type: single nucleotide variant.
Coding change: c.250C>T on transcript NM_001278064.2 (MANE Select); coding-DNA position 250, C replaced by T.
Protein change: p.His84Tyr; replaces histidine 84 with tyrosine.
Molecular consequence: missense variant.
Genome position (GRCh38, 1-based): chr6:146,029,767, C>T. VCF-style: chr6-146029767-C-T. GRCh37 (hg19) VCF-style: chr6-146350903-C-T.
Other names: c.250C>T, p.His84Tyr (NM_001278065.2, NM_001278066.1, NM_001278067.1); short protein forms H84Y.
Identifiers: ClinVar variation 4693412 (VCV004693412.1).

ClinVar aggregate classification (germline): Uncertain significance (1 of 4 stars; one submission).

gnomAD v4.1: 11 of 1,613,956 alleles (0.00068%); highest among the groups gnomAD compares: African/African-American, 0.013%; no homozygotes.

Submission:

Labcorp Genetics (formerly Invitae), Labcorp
Classification: Uncertain significance. Last evaluated: 2025-08-10. Review status: criteria provided, single submitter. Criteria: Invitae Variant Classification Sherloc (09022015). Collection method: clinical testing. Allele origin: germline.
Comment: This sequence change replaces histidine, which is basic and polar, with tyrosine, which is neutral and polar, at codon 84 of the GRM1 protein (p.His84Tyr). This variant is present in population databases (rs779226659, gnomAD 0.008%). This variant has not been reported in the literature in individuals affected with GRM1-related conditions. An algorithm developed to predict the effect of missense changes on protein structure and function (PolyPhen-2) suggests that this variant is likely to be tolerated. In summary, the available evidence is currently insufficient to determine the role of this variant in disease. Therefore, it has been classified as a Variant of Uncertain Significance.